The following is an entry in ClinVar:

ClinVar aggregate classification (germline): Uncertain significance. Review status: criteria provided, multiple submitters, no conflicts (2 of 4 stars). 3 submissions from 3 submitters: Uncertain significance (3). Last evaluated 2025-07-24.

Conditions:
Hereditary cancer-predisposing syndrome. Also called: Tumor predisposition; Hereditary neoplastic syndrome; Hereditary Cancer Syndrome; Neoplastic Syndromes, Hereditary. Identifiers: Orphanet 140162, MedGen C0027672, MeSH D009386, MONDO:0015356.
EGFR-related lung cancer (EGFR). Identifiers: MedGen CN130014.

Allele frequency attached by ClinVar (database versions not stated): gnomAD exomes below 0.00001 and 0.00001; TOPMed 0.00001; ExAC 0.00002; gnomAD 0.00002; ESP Exome Variant Server 0.00008.
gnomAD v4.1: 8 of 1,613,812 alleles (0.0005%); highest among the groups gnomAD compares: African/African-American, 0.004%; no homozygotes.

Submissions (3):

Quest Diagnostics Nichols Institute San Juan Capistrano
Classification: Uncertain significance. Last evaluated: 2025-07-24. Review status: criteria provided, single submitter. Criteria: Quest Diagnostics criteria. Collection method: clinical testing. Allele origin: unknown.
Comment: The EGFR c.2507G>A (p.Arg836His) variant has not been reported in individuals with EGFR-related conditions in the published literature. The frequency of this variant in the general population (Genome Aggregation Database) is uninformative in the assessment of its pathogenicity. Analysis of this variant using bioinformatics tools for the prediction of the effect of amino acid changes on protein structure and function yielded predictions that this variant is damaging. Based on the available information, we are unable to determine the clinical significance of this variant.

Ambry Genetics
Classification: Uncertain significance for Hereditary cancer-predisposing syndrome. Last evaluated: 2025-07-15. Review status: criteria provided, single submitter. Criteria: Ambry Variant Classification Scheme 2023. Collection method: clinical testing. Allele origin: germline.
Comment: The p.R836H variant (also known as c.2507G>A), located in coding exon 21 of the EGFR gene, results from a G to A substitution at nucleotide position 2507. The arginine at codon 836 is replaced by histidine, an amino acid with highly similar properties. This amino acid position is highly conserved in available vertebrate species. In addition, this alteration is predicted to be deleterious by in silico analysis. Based on the available evidence, the clinical significance of this variant remains unclear.

Labcorp Genetics (formerly Invitae), Labcorp
Classification: Uncertain significance for EGFR-related lung cancer. Last evaluated: 2024-05-07. Review status: criteria provided, single submitter. Criteria: Invitae Variant Classification Sherloc (09022015). Collection method: clinical testing. Allele origin: germline.
Comment: This sequence change replaces arginine, which is basic and polar, with histidine, which is basic and polar, at codon 836 of the EGFR protein (p.Arg836His). This variant is present in population databases (rs146121458, gnomAD 0.007%). This variant has not been reported in the literature in individuals affected with EGFR-related conditions. ClinVar contains an entry for this variant (Variation ID: 963450). Advanced modeling of protein sequence and biophysical properties (such as structural, functional, and spatial information, amino acid conservation, physicochemical variation, residue mobility, and thermodynamic stability) performed at Invitae indicates that this missense variant is expected to disrupt EGFR protein function with a positive predictive value of 80%. In summary, the available evidence is currently insufficient to determine the role of this variant in disease. Therefore, it has been classified as a Variant of Uncertain Significance.

NM_005228.5(EGFR):c.2507G>A (p.Arg836His)

Gene: EGFR (epidermal growth factor receptor; plus strand). Cytogenetic location: 7p11.2.
Variant type: single nucleotide variant.
Coding change: c.2507G>A on transcript NM_005228.5 (MANE Select); coding-DNA position 2507, G replaced by A.
Protein change: p.Arg836His; replaces arginine 836 with histidine.
Molecular consequence: missense variant.
Genome position (GRCh38, 1-based): chr7:55,191,756, G>A. VCF-style: chr7-55191756-G-A. GRCh37 (hg19) VCF-style: chr7-55259449-G-A.
Other names: c.2507G>A (NM_005228.4); c.2372G>A, p.Arg791His (NM_001346897.2, NM_001346899.2); c.2507G>A, p.Arg836His (NM_001346898.2); c.2348G>A, p.Arg783His (NM_001346900.2); c.1706G>A, p.Arg569His (NM_001346941.2); short protein forms R569H, R783H, R791H, R836H.
Identifiers: ClinVar variation 963450 (VCV000963450.11), dbSNP rs146121458, ClinGen allele CA4266108.